The following is an entry in ClinVar:

NM_022725.4(FANCF):c.153T>A (p.His51Gln)

Gene: FANCF (FA complementation group F; minus strand). Cytogenetic location: 11p14.3.
Variant type: single nucleotide variant.
Coding change: c.153T>A on transcript NM_022725.4 (MANE Select); coding-DNA position 153, T replaced by A.
Protein change: p.His51Gln; replaces histidine 51 with glutamine.
Molecular consequence: missense variant.
Genome position (GRCh38, 1-based): chr11:22,625,658, A>T on the plus strand (T>A on the coding strand, the complement: FANCF is on the minus strand). VCF-style: chr11-22625658-A-T. GRCh37 (hg19) VCF-style: chr11-22647204-A-T.
Other names: short protein forms H51Q.
Identifiers: ClinVar variation 134356 (VCV000134356.10), dbSNP rs142247452, ClinGen allele CA159587.

ClinVar aggregate classification (germline): Uncertain significance. Review status: criteria provided, multiple submitters, no conflicts (2 of 4 stars). 3 submissions from 3 submitters: Uncertain significance (2). 1 of the submissions does not count toward it. Last evaluated 2024-11-26.

Conditions:
Fanconi anemia (FA). Also called: Fanconi's anemia. Identifiers: Orphanet 84, MedGen C0015625, MeSH D005199, MONDO:0019391.
Fanconi anemia complementation group F. Also called: FANCF-Related Fanconi Anemia. Identifiers: Orphanet 84, MedGen C3469526, MONDO:0011325, OMIM 603467.

Allele frequency attached by ClinVar (database versions not stated): gnomAD exomes 0.00008; ExAC 0.00010; gnomAD 0.00023 and 0.00024; TOPMed 0.00028; ESP Exome Variant Server 0.00038; 1000 Genomes Project 30x 0.00062; 1000 Genomes Project 0.00080.
gnomAD v4.1: 67 of 1,613,968 alleles (0.0042%); highest among the groups gnomAD compares: African/African-American, 0.073%; no homozygotes.

Submissions (3):

Labcorp Genetics (formerly Invitae), Labcorp
Classification: Uncertain significance for Fanconi anemia. Last evaluated: 2024-11-26. Review status: criteria provided, single submitter. Criteria: Invitae Variant Classification Sherloc (09022015). Collection method: clinical testing. Allele origin: germline.
Comment: This sequence change replaces histidine, which is basic and polar, with glutamine, which is neutral and polar, at codon 51 of the FANCF protein (p.His51Gln). This variant is present in population databases (rs142247452, gnomAD 0.08%). This variant has not been reported in the literature in individuals affected with FANCF-related conditions. ClinVar contains an entry for this variant (Variation ID: 134356). Invitae Evidence Modeling of protein sequence and biophysical properties (such as structural, functional, and spatial information, amino acid conservation, physicochemical variation, residue mobility, and thermodynamic stability) indicates that this missense variant is not expected to disrupt FANCF protein function with a negative predictive value of 80%. In summary, the available evidence is currently insufficient to determine the role of this variant in disease. Therefore, it has been classified as a Variant of Uncertain Significance.

Fulgent Genetics
Classification: Uncertain significance for Fanconi anemia complementation group F. Last evaluated: 2024-04-23. Review status: criteria provided, single submitter. Criteria: ACMG Guidelines, 2015. Collection method: clinical testing. Allele origin: germline.

ITMI
No classification provided. Condition: AllHighlyPenetrant. Last evaluated: 2013-09-19. Review status: no classification provided. Collection method: reference population. Allele origin: germline. Not counted in ClinVar's aggregate classification.
Comment: Please see associated publication for description of ethnicities

Literature cited by the submitters: PubMed 24728327 (cited by ITMI).